The following is an entry in ClinVar:

NM_176824.3(BBS7):c.1676+6T>C

Gene: BBS7 (Bardet-Biedl syndrome 7; minus strand). Cytogenetic location: 4q27.
Variant type: single nucleotide variant.
Coding change: c.1676+6T>C on transcript NM_176824.3 (MANE Select); 6 bases into the intron after coding-DNA position 1676, T replaced by C.
Molecular consequence: intron variant.
Genome position (GRCh38, 1-based): chr4:121,833,225, A>G on the plus strand (T>C on the coding strand, the complement: BBS7 is on the minus strand). VCF-style: chr4-121833225-A-G. GRCh37 (hg19) VCF-style: chr4-122754380-A-G.
Other names: c.1676+6T>C (NM_018190.4).
Identifiers: ClinVar variation 3347326 (VCV003347326.1).

ClinVar aggregate classification (germline): Likely benign (0 of 4 stars; one submission).

Conditions:
BBS7-related disorder. Also called: BBS7-related condition.

gnomAD v4.1: 1 of 1,613,446 alleles (0.000062%); highest among the groups gnomAD compares: Non-Finnish European, 0.000085%; no homozygotes.

Submission:

PreventionGenetics, part of Exact Sciences
Classification: Likely benign for BBS7-related condition. Last evaluated: 2024-05-29. Review status: no assertion criteria provided. Collection method: clinical testing. Allele origin: germline.
Comment: This variant is classified as likely benign based on ACMG/AMP sequence variant interpretation guidelines (Richards et al. 2015 PMID: 25741868, with internal and published modifications).